The following is an entry in ClinVar:

NM_182961.4(SYNE1):c.13433T>C (p.Phe4478Ser)

Gene: SYNE1 (spectrin repeat containing nuclear envelope protein 1; minus strand). Cytogenetic location: 6q25.2.
Variant type: single nucleotide variant.
Coding change: c.13433T>C on transcript NM_182961.4 (MANE Select); coding-DNA position 13433, T replaced by C.
Protein change: p.Phe4478Ser; replaces phenylalanine 4478 with serine.
Molecular consequence: missense variant.
Genome position (GRCh38, 1-based): chr6:152,331,252, A>G on the plus strand (T>C on the coding strand, the complement: SYNE1 is on the minus strand). VCF-style: chr6-152331252-A-G. GRCh37 (hg19) VCF-style: chr6-152652387-A-G.
Other names: c.13220T>C, p.Phe4407Ser (NM_033071.5); short protein forms F4478S, F4407S.
Identifiers: ClinVar variation 282115 (VCV000282115.13), dbSNP rs886042314, ClinGen allele CA10604072.

ClinVar aggregate classification (germline): Uncertain significance. Review status: criteria provided, multiple submitters, no conflicts (2 of 4 stars). 3 submissions from 3 submitters: Uncertain significance (3). Last evaluated 2022-07-19.

Conditions:
Autosomal recessive ataxia, Beauce type. Also called: Spinocerebellar ataxia, autosomal recessive 8; ATAXIA, RECESSIVE, OF BEAUCE; SYNE1-Related Autosomal Recessive Cerebellar Ataxia; SYNE1 Deficiency. Identifiers: Orphanet 88644, MedGen C1853116, MONDO:0012549, OMIM 610743.
Emery-Dreifuss muscular dystrophy 4, autosomal dominant (EDMD4). Also called: EMERY-DREIFUSS MUSCULAR DYSTROPHY 4 WITH VARIABLE FEATURES. Identifiers: Orphanet 261, MedGen C2751807, MONDO:0013071, OMIM 612998.

Allele frequency attached by ClinVar (database versions not stated): gnomAD exomes below 0.00001; gnomAD 0.00001; TOPMed 0.00001.
gnomAD v4.1: 4 of 1,613,972 alleles (0.00025%); highest among the groups gnomAD compares: Non-Finnish European, 0.00034%; no homozygotes.

Submissions (3):

Labcorp Genetics (formerly Invitae), Labcorp
Classification: Uncertain significance for Emery-Dreifuss muscular dystrophy 4, autosomal dominant; Autosomal recessive ataxia, Beauce type. Last evaluated: 2022-07-19. Review status: criteria provided, single submitter. Criteria: Invitae Variant Classification Sherloc (09022015). Collection method: clinical testing. Allele origin: germline.
Comment: This sequence change replaces phenylalanine, which is neutral and non-polar, with serine, which is neutral and polar, at codon 4407 of the SYNE1 protein (p.Phe4407Ser). This variant is not present in population databases (gnomAD no frequency). This variant has not been reported in the literature in individuals affected with SYNE1-related conditions. ClinVar contains an entry for this variant (Variation ID: 282115). Algorithms developed to predict the effect of missense changes on protein structure and function (SIFT, PolyPhen-2, Align-GVGD) all suggest that this variant is likely to be disruptive. In summary, the available evidence is currently insufficient to determine the role of this variant in disease. Therefore, it has been classified as a Variant of Uncertain Significance.

Athena Diagnostics
Classification: Uncertain significance. Last evaluated: 2018-06-28. Review status: criteria provided, single submitter. Criteria: Athena Diagnostics Criteria. Collection method: clinical testing. Allele origin: germline.

Eurofins Ntd Llc (ga)
Classification: Uncertain significance. Last evaluated: 2015-07-20. Review status: criteria provided, single submitter. Criteria: EGL Classification Definitions 2015. Collection method: clinical testing. Allele origin: germline. Observed: 1 variant allele, 1 heterozygote.